The following is an entry in ClinVar:

ClinVar aggregate classification (germline): Conflicting classifications of pathogenicity. Review status: criteria provided, conflicting classifications (1 of 4 stars). 6 submissions from 6 submitters: Uncertain significance (5); Likely benign (1). Last evaluated 2025-12-01.

Conditions:
RIPK1-related disorder. Also called: RIPK1-related condition.
Immunodeficiency 57. Also called: IMMUNODEFICIENCY 57 WITH AUTOINFLAMMATION. Identifiers: MedGen C4748212, MONDO:0020849, OMIM 618108.
Inborn genetic diseases. Identifiers: MedGen C0950123, MeSH D030342.

Allele frequency attached by ClinVar (database versions not stated): ESP Exome Variant Server 0.00008; gnomAD exomes 0.00013 and 0.00023; TOPMed 0.00015; 1000 Genomes Project 30x 0.00016; ExAC 0.00016; gnomAD 0.00016 and 0.00017; 1000 Genomes Project 0.00020.
gnomAD v4.1: 225 of 1,579,746 alleles (0.014%); highest among the groups gnomAD compares: Middle Eastern, 0.1%; no homozygotes.

Submissions (6):

Labcorp Genetics (formerly Invitae), Labcorp
Classification: Uncertain significance. Last evaluated: 2025-12-01. Review status: criteria provided, single submitter. Criteria: Invitae Variant Classification Sherloc (09022015). Collection method: clinical testing. Allele origin: germline.
Comment: This sequence change replaces glutamic acid, which is acidic and polar, with lysine, which is basic and polar, at codon 311 of the RIPK1 protein (p.Glu311Lys). This variant is present in population databases (rs184895368, gnomAD 0.06%). This variant has not been reported in the literature in individuals affected with RIPK1-related conditions. ClinVar contains an entry for this variant (Variation ID: 1029754). An algorithm developed to predict the effect of missense changes on protein structure and function outputs the following: PolyPhen-2: "Benign". The lysine amino acid residue is found in multiple mammalian species, which suggests that this missense change does not adversely affect protein function. In summary, the available evidence is currently insufficient to determine the role of this variant in disease. Therefore, it has been classified as a Variant of Uncertain Significance.

PreventionGenetics, part of Exact Sciences
Classification: Uncertain significance for RIPK1-related condition. Last evaluated: 2025-01-06. Review status: criteria provided, single submitter. Criteria: ACMG Guidelines, 2015. Collection method: clinical testing. Allele origin: germline.
Comment: The RIPK1 c.931G>A variant is predicted to result in the amino acid substitution p.Glu311Lys. To our knowledge, this variant has not been reported in the literature. This variant is reported in 0.064% of alleles in individuals of Latino descent in gnomAD. At this time, the clinical significance of this variant is uncertain due to the absence of conclusive functional and genetic evidence.

Ambry Genetics
Classification: Uncertain significance for Inborn genetic diseases. Last evaluated: 2024-12-16. Review status: criteria provided, single submitter. Criteria: Ambry Variant Classification Scheme 2023. Collection method: clinical testing. Allele origin: germline.

CeGaT Center for Human Genetics Tuebingen
Classification: Likely benign. Last evaluated: 2023-05-01. Review status: criteria provided, single submitter. Criteria: CeGaT Center For Human Genetics Tuebingen Variant Classification Criteria Version 2. Collection method: clinical testing. Allele origin: germline. Affected: yes. Observed: 2 variant alleles.
Comment: RIPK1: BP4

Baylor Genetics
Classification: Uncertain significance for Immunodeficiency 57. Last evaluated: 2019-12-07. Review status: criteria provided, single submitter. Criteria: ACMG Guidelines, 2015. Collection method: clinical testing. Allele origin: unknown. Affected: yes.
Comment: This variant was determined to be of uncertain significance according to ACMG Guidelines, 2015 [PMID:25741868].

Breakthrough Genomics
Classification: Uncertain significance. Review status: criteria provided, single submitter. Criteria: ACMG Guidelines, 2015. Collection method: not provided. Allele origin: germline. Inheritance: Autosomal recessive inheritance. Affected: yes.

NM_001354930.2(RIPK1):c.931G>A (p.Glu311Lys)

Gene: RIPK1 (receptor interacting serine/threonine kinase 1; plus strand). Cytogenetic location: 6p25.2.
Variant type: single nucleotide variant.
Coding change: c.931G>A on transcript NM_001354930.2 (MANE Select); coding-DNA position 931, G replaced by A.
Protein change: p.Glu311Lys; replaces glutamic acid 311 with lysine.
Molecular consequence: missense variant.
Genome position (GRCh38, 1-based): chr6:3,104,240, G>A. VCF-style: chr6-3104240-G-A. GRCh37 (hg19) VCF-style: chr6-3104474-G-A.
Other names: c.442G>A, p.Glu148Lys (NM_001317061.3, NM_001354932.2, NM_001354933.2 and 1 more transcripts); c.793G>A, p.Glu265Lys (NM_001354931.2); c.931G>A, p.Glu311Lys (NM_003804.6); c.931G>A (NM_003804.4); short protein forms E148K, E311K, E265K.
Identifiers: ClinVar variation 1029754 (VCV001029754.34), dbSNP rs184895368, ClinGen allele CA3618344.
Genomic context (GRCh38, chr6:3,104,240, plus strand): 5'-TTTCCTGCTGTTCACTAAAGTGTGTATTTATGCTCTTAATTATAGAAAGAGTATTCAAAC[G>A]AAAATGCAGTTGTGAAGAGAATGCAGTCTCTTCAACTTGATTGTGTGGCAGTACCTTCAA-3'
Protein context (NP_001341859.1, residues 301-321): VKSLKKEYSN[Glu311Lys]NAVVKRMQSL